The following is an entry in ClinVar:

NM_015335.5(MED13L):c.1185A>C (p.Gln395His)

Gene: MED13L (mediator complex subunit 13L; minus strand). Cytogenetic location: 12q24.21.
Variant type: single nucleotide variant.
Coding change: c.1185A>C on transcript NM_015335.5 (MANE Select); coding-DNA position 1185, A replaced by C.
Protein change: p.Gln395His; replaces glutamine 395 with histidine.
Molecular consequence: missense variant.
Genome position (GRCh38, 1-based): chr12:116,012,892, T>G on the plus strand (A>C on the coding strand, the complement: MED13L is on the minus strand). VCF-style: chr12-116012892-T-G. GRCh37 (hg19) VCF-style: chr12-116450697-T-G.
Other names: c.1185A>C (NM_015335.4); short protein forms Q395H.
Identifiers: ClinVar variation 1003545 (VCV001003545.35), dbSNP rs374884525, ClinGen allele CA6811474.

ClinVar aggregate classification (germline): Conflicting classifications of pathogenicity. Review status: criteria provided, conflicting classifications (1 of 4 stars). 4 submissions from 4 submitters: Uncertain significance (1); Benign (1); Likely benign (2). Last evaluated 2025-05-16.

Conditions:
Inborn genetic diseases. Identifiers: MedGen C0950123, MeSH D030342.
Cardiac anomalies - developmental delay - facial dysmorphism syndrome (MRFACD). Also called: Impaired intellectual development and distinctive facial features with or without cardiac defects; MED13L Syndrome. Identifiers: Orphanet 369891, MedGen C5192431, MONDO:0014773, OMIM 616789.
Dextro-looped transposition of the great arteries. Also called: Dextrotransposition of the great arteries. Identifiers: Orphanet 860, MedGen C3531771, MONDO:0019443, OMIM 608808, HP:0031348.

Allele frequency attached by ClinVar (database versions not stated): gnomAD exomes 0.00004; gnomAD 0.00005 and 0.00006; ExAC 0.00006; ESP Exome Variant Server 0.00008; TOPMed 0.00011.
gnomAD v4.1: 21 of 1,613,200 alleles (0.0013%); highest among the groups gnomAD compares: African/African-American, 0.02%; no homozygotes.

Submissions (4):

Ambry Genetics
Classification: Likely benign for Inborn genetic diseases. Last evaluated: 2025-05-16. Review status: criteria provided, single submitter. Criteria: Ambry Variant Classification Scheme 2023. Collection method: clinical testing. Allele origin: germline.

Labcorp Genetics (formerly Invitae), Labcorp
Classification: Benign for Dextro-looped transposition of the great arteries. Last evaluated: 2024-01-03. Review status: criteria provided, single submitter. Criteria: Invitae Variant Classification Sherloc (09022015). Collection method: clinical testing. Allele origin: germline.

CeGaT Center for Human Genetics Tuebingen
Classification: Likely benign. Last evaluated: 2023-04-01. Review status: criteria provided, single submitter. Criteria: CeGaT Center For Human Genetics Tuebingen Variant Classification Criteria Version 2. Collection method: clinical testing. Allele origin: germline. Affected: yes. Observed: 1 variant allele.
Comment: MED13L: PP2, BP4, BS2

Revvity Omics, Revvity
Classification: Uncertain significance for Cardiac anomalies - developmental delay - facial dysmorphism syndrome. Last evaluated: 2019-07-30. Review status: criteria provided, single submitter. Criteria: ACMG Guidelines, 2015. Collection method: clinical testing. Allele origin: germline.